The following is an entry in ClinVar:

NM_001142800.2(EYS):c.179dup (p.Leu60fs)

Gene: EYS (EGF-like photoreceptor maintenance factor; minus strand). Cytogenetic location: 6q12.
Variant type: Duplication.
Coding change: c.179dup on transcript NM_001142800.2 (MANE Select); coding-DNA position 179, one base duplicated (T; older notation c.179dupT).
Protein change: p.Leu60fs; shifts the reading frame from leucine 60.
Molecular consequence: frameshift variant.
Genome position (GRCh38, 1-based): chr6:65,495,232, A duplicated on the plus strand (T on the coding strand, the reverse complement: EYS is on the minus strand); the first of 5 consecutive A bases (chr6:65,495,232-65,495,236); duplicating any one gives the same sequence. VCF-style (leftmost placement, unchanged base first): chr6-65495231-C-CA. GRCh37 (hg19) VCF-style: chr6-66205124-C-CA.
Other names: c.179dup, p.Leu60fs (NM_001142801.2, NM_001292009.2, NM_198283.2); short protein forms L60fs.
Identifiers: ClinVar variation 2040666 (VCV002040666.4), dbSNP rs786205652, ClinGen allele CA2580075694.

ClinVar aggregate classification (germline): Pathogenic (1 of 4 stars; one submission).

Submission:

Labcorp Genetics (formerly Invitae), Labcorp
Classification: Pathogenic. Last evaluated: 2021-12-12. Review status: criteria provided, single submitter. Criteria: Invitae Variant Classification Sherloc (09022015). Collection method: clinical testing. Allele origin: germline.
Comment: For these reasons, this variant has been classified as Pathogenic. This variant has not been reported in the literature in individuals affected with EYS-related conditions. This variant is not present in population databases (gnomAD no frequency). This sequence change creates a premature translational stop signal (p.Leu60Phefs*6) in the EYS gene. It is expected to result in an absent or disrupted protein product. Loss-of-function variants in EYS are known to be pathogenic (PMID: 18836446, 20333770).

Literature cited by the submitters: PubMed 18836446; PubMed 20333770.